The following is an entry in ClinVar:

ClinVar aggregate classification (germline): Uncertain significance (1 of 4 stars; one submission).

Allele frequency attached by ClinVar (database versions not stated): gnomAD exomes below 0.00001; TOPMed below 0.00001; ExAC 0.00001.
gnomAD v4.1: 4 of 1,614,060 alleles (0.00025%); highest among the groups gnomAD compares: South Asian, 0.0011%; no homozygotes.

Submission:

Ambry Genetics
Classification: Uncertain significance. Last evaluated: 2021-06-11. Review status: criteria provided, single submitter. Criteria: Ambry Variant Classification Scheme 2023. Collection method: clinical testing. Allele origin: germline.
Comment: The p.I346T variant (also known as c.1037T>C), located in coding exon 10 of the IKBKAP gene, results from a T to C substitution at nucleotide position 1037. The isoleucine at codon 346 is replaced by threonine, an amino acid with similar properties. This amino acid position is not well conserved in available vertebrate species. In addition, this alteration is predicted to be tolerated by in silico analysis. Since supporting evidence is limited at this time, the clinical significance of this alteration remains unclear.

NM_003640.5(ELP1):c.1037T>C (p.Ile346Thr)

Gene: ELP1 (elongator acetyltransferase complex subunit 1; minus strand). Cytogenetic location: 9q31.3.
Variant type: single nucleotide variant.
Coding change: c.1037T>C on transcript NM_003640.5 (MANE Select); coding-DNA position 1037, T replaced by C.
Protein change: p.Ile346Thr; replaces isoleucine 346 with threonine.
Molecular consequence: missense variant. On other transcripts: 5 prime UTR variant (1).
Genome position (GRCh38, 1-based): chr9:108,912,416, A>G on the plus strand (T>C on the coding strand, the complement: ELP1 is on the minus strand). VCF-style: chr9-108912416-A-G. GRCh37 (hg19) VCF-style: chr9-111674696-A-G.
Other names: c.695T>C, p.Ile232Thr (NM_001318360.2); c.-11T>C (NM_001330749.2); short protein forms I232T, I346T.
Identifiers: ClinVar variation 1799919 (VCV001799919.2), dbSNP rs770175441, ClinGen allele CA5175145.